The following is an entry in ClinVar:

ClinVar aggregate classification (germline): Uncertain significance (1 of 4 stars; one submission).

Conditions:
Familial adenomatous polyposis 1 (FAP1). Also called: FAMILIAL ADENOMATOUS POLYPOSIS 1, ATTENUATED; POLYPOSIS, ADENOMATOUS INTESTINAL. Identifiers: MedGen C2713442, MONDO:0021056, OMIM 175100. Disease mechanism: loss of function.

Submission:

Labcorp Genetics (formerly Invitae), Labcorp
Classification: Uncertain significance for Familial adenomatous polyposis 1. Last evaluated: 2023-10-25. Review status: criteria provided, single submitter. Criteria: Invitae Variant Classification Sherloc (09022015). Collection method: clinical testing. Allele origin: germline.
Comment: This variant occurs in a non-coding region of the APC gene. It does not change the encoded amino acid sequence of the APC protein. This variant is not present in population databases (gnomAD no frequency). This variant has not been reported in the literature in individuals affected with APC-related conditions. ClinVar contains an entry for this variant (Variation ID: 469879). Experimental studies and prediction algorithms are not available or were not evaluated, and the functional significance of this variant is currently unknown. In summary, the available evidence is currently insufficient to determine the role of this variant in disease. Therefore, it has been classified as a Variant of Uncertain Significance.

NC_000005.10:g.112707414G>A

Gene: APC (APC regulator of Wnt signaling pathway; plus strand). Cytogenetic location: 5q22.2.
Variant type: single nucleotide variant.
Genome position: GRCh38 VCF-style: chr5-112707414-G-A. GRCh37 (hg19) VCF-style: chr5-112043111-G-A.
Identifiers: ClinVar variation 469879 (VCV000469879.9), dbSNP rs1432662523, ClinGen allele CA658655875.
Genomic context (GRCh38, chr5:112,707,414, plus strand): 5'-GACTCGGCTGCCTAGGCAGCAATGGCTCACGGGACAGAACAGCGAAGCAGTGCCCGGCAA[G>A]CGGAGCGCAGCACCCATTGCGCCTGCGCATAACAGGCTCTAGTCTCCGGGCTGTGGGAAG-3'